The following is an entry in ClinVar:

NM_006767.4(LZTR1):c.80G>T (p.Ser27Ile)

Genes: LZTR1 (leucine zipper like post translational regulator 1; plus strand), LOC130067016 (ATAC-STARR-seq lymphoblastoid silent region 13504; plus strand). Cytogenetic location: 22q11.21.
Variant type: single nucleotide variant.
Coding change: c.80G>T on transcript NM_006767.4 (MANE Select); coding-DNA position 80, G replaced by T.
Protein change: p.Ser27Ile; replaces serine 27 with isoleucine.
Molecular consequence: missense variant.
Genome position (GRCh38, 1-based): chr22:20,982,451, G>T. VCF-style: chr22-20982451-G-T. GRCh37 (hg19) VCF-style: chr22-21336740-G-T.
Other names: short protein forms S27I.
Identifiers: ClinVar variation 3238346 (VCV003238346.2), dbSNP rs776383010.

ClinVar aggregate classification (germline): Uncertain significance. Review status: criteria provided, multiple submitters, no conflicts (2 of 4 stars). 2 submissions from 2 submitters: Uncertain significance (2). Last evaluated 2024-06-16.

Conditions:
Hereditary cancer-predisposing syndrome. Also called: Neoplastic Syndromes, Hereditary; Tumor predisposition; Hereditary neoplastic syndrome; Hereditary Cancer Syndrome. Identifiers: Orphanet 140162, MedGen C0027672, MeSH D009386, MONDO:0015356.
Cardiovascular phenotype. Identifiers: MedGen CN230736.

gnomAD v4.1: 1 of 1,598,654 alleles (0.000063%); highest among the groups gnomAD compares: Non-Finnish European, 0.000085%; no homozygotes.

Submissions (2):

Labcorp Genetics (formerly Invitae), Labcorp
Classification: Uncertain significance. Last evaluated: 2024-06-16. Review status: criteria provided, single submitter. Criteria: Invitae Variant Classification Sherloc (09022015). Collection method: clinical testing. Allele origin: germline.
Comment: This sequence change replaces serine, which is neutral and polar, with isoleucine, which is neutral and non-polar, at codon 27 of the LZTR1 protein (p.Ser27Ile). The frequency data for this variant in the population databases is considered unreliable, as metrics indicate poor data quality at this position in the gnomAD database. This variant has not been reported in the literature in individuals affected with LZTR1-related conditions. Advanced modeling of protein sequence and biophysical properties (such as structural, functional, and spatial information, amino acid conservation, physicochemical variation, residue mobility, and thermodynamic stability) performed at Invitae indicates that this missense variant is not expected to disrupt LZTR1 protein function with a negative predictive value of 80%. In summary, the available evidence is currently insufficient to determine the role of this variant in disease. Therefore, it has been classified as a Variant of Uncertain Significance.

Ambry Genetics
Classification: Uncertain significance for Cardiovascular phenotype; Hereditary cancer-predisposing syndrome. Last evaluated: 2023-09-21. Review status: criteria provided, single submitter. Criteria: Ambry Variant Classification Scheme 2023. Collection method: clinical testing. Allele origin: germline.
Comment: The p.S27I variant (also known as c.80G>T), located in coding exon 1 of the LZTR1 gene, results from a G to T substitution at nucleotide position 80. The serine at codon 27 is replaced by isoleucine, an amino acid with dissimilar properties. This amino acid position is conserved. In addition, the in silico prediction for this alteration is inconclusive. Since supporting evidence is limited at this time, the clinical significance of this alteration remains unclear.